The following is an entry in ClinVar:

NM_001378743.1(CYLD):c.2272C>T (p.Arg758Ter)

Genes: CYLD (CYLD lysine 63 deubiquitinase; plus strand), CYLD-AS2 (CYLD antisense RNA 2; minus strand). Cytogenetic location: 16q12.1.
Variant type: single nucleotide variant.
Coding change: c.2272C>T on transcript NM_001378743.1 (MANE Select); coding-DNA position 2272, C replaced by T.
Protein change: p.Arg758Ter; replaces arginine 758 with a stop codon.
Molecular consequence: nonsense. On other transcripts: non-coding transcript variant (1).
Genome position (GRCh38, 1-based): chr16:50,792,627, C>T. VCF-style: chr16-50792627-C-T. GRCh37 (hg19) VCF-style: chr16-50826538-C-T.
Other names: c.2263C>T, p.Arg755Ter (NM_001042355.2, NM_001042412.3, NM_001378744.1 and 6 more transcripts); c.2233C>T, p.Arg745Ter (NM_001378751.1, NM_001378752.1, NM_001378753.1); c.1597C>T, p.Arg533Ter (NM_001378754.1, NM_001378755.1); c.2272C>T, p.Arg758Ter (NM_015247.3); short protein forms R758*, R755*, R533*, R745*.
Identifiers: ClinVar variation 5253 (VCV000005253.8), dbSNP rs121908388, ClinGen allele CA158237.

ClinVar aggregate classification (germline): Pathogenic. Review status: criteria provided, multiple submitters, no conflicts (2 of 4 stars). 6 submissions from 6 submitters: Pathogenic (4). 2 of the submissions do not count toward it. Last evaluated 2025-04-08.

Conditions:
CYLD-related disorder. Also called: CYLD-related condition.
Familial cylindromatosis. Also called: ANCELL-SPIEGLER CYLINDROMAS; Turban tumor syndrome. Identifiers: Orphanet 211, Orphanet 79493, MedGen C1851526, MONDO:0007565, OMIM 132700.
Brooke-Spiegler syndrome. Also called: CYLD Cutaneous Syndrome. Identifiers: Orphanet 79493, MedGen C1857941, MONDO:0011512, OMIM 605041.

Submissions (6):

Labcorp Genetics (formerly Invitae), Labcorp
Classification: Pathogenic. Last evaluated: 2025-04-08. Review status: criteria provided, single submitter. Criteria: Invitae Variant Classification Sherloc (09022015). Collection method: clinical testing. Allele origin: germline.
Comment: This sequence change creates a premature translational stop signal (p.Arg758*) in the CYLD gene. It is expected to result in an absent or disrupted protein product. Loss-of-function variants in CYLD are known to be pathogenic (PMID: 19462465). This variant is not present in population databases (gnomAD no frequency). This premature translational stop signal has been observed in individual(s) with familial cylindromatosis (PMID: 10835629, 15541090). ClinVar contains an entry for this variant (Variation ID: 5253). For these reasons, this variant has been classified as Pathogenic.

Clinical Genetics Laboratory, Skane University Hospital Lund
Classification: Pathogenic for Brooke-Spiegler syndrome. Last evaluated: 2024-06-04. Review status: criteria provided, single submitter. Criteria: ACMG Guidelines, 2015. Collection method: clinical testing. Allele origin: germline. Affected: yes.
Comment: PS4, PM2, PP4

GeneDx
Classification: Pathogenic. Last evaluated: 2023-08-27. Review status: criteria provided, single submitter. Criteria: GeneDx Variant Classification Process June 2021. Collection method: clinical testing. Allele origin: germline. Affected: yes.
Comment: Identified in individuals with clinical features of CYLD-related cutaneous syndrome referred for genetic testing at GeneDx and in published literature (Bignell et al., 2000); Nonsense variant predicted to result in protein truncation or nonsense mediated decay in a gene for which loss-of-function is a known mechanism of disease; Not observed at significant frequency in large population cohorts (gnomAD); This variant is associated with the following publications: (PMID: 25525159, 21389835, 17083363, 24728327, 26861065, 23249834, 24628357, 34744449, 19462465, 20972631, 31093340, 23584127, 15541090, 10835629)

Blueprint Genetics
Classification: Pathogenic for CYLD-related disorders. Last evaluated: 2022-06-16. Review status: criteria provided, single submitter. Criteria: ACMG Guidelines, 2015. Collection method: clinical testing. Allele origin: germline. Affected: yes. Observed: 4 variant alleles.

ITMI
No classification provided. Condition: AllHighlyPenetrant. Last evaluated: 2013-09-19. Review status: no classification provided. Collection method: reference population. Allele origin: germline. Not counted in ClinVar's aggregate classification.
Comment: Please see associated publication for description of ethnicities

OMIM
Classification: Pathogenic for CYLINDROMATOSIS, FAMILIAL. Last evaluated: 2000-06-01. Review status: no assertion criteria provided. Collection method: literature only. Allele origin: unknown. Not counted in ClinVar's aggregate classification.

Literature cited by the submitters: PubMed 19462465 (cited by Labcorp Genetics (formerly Invitae), Labcorp); PubMed 10835629 (cited by Labcorp Genetics (formerly Invitae), Labcorp and OMIM); PubMed 15541090 (cited by Labcorp Genetics (formerly Invitae), Labcorp); PubMed 24728327 (cited by ITMI).